The following is an entry in ClinVar:

NM_024685.4(BBS10):c.411G>T (p.Gln137His)

Gene: BBS10 (Bardet-Biedl syndrome 10; minus strand). Cytogenetic location: 12q21.2.
Variant type: single nucleotide variant.
Coding change: c.411G>T on transcript NM_024685.4 (MANE Select); coding-DNA position 411, G replaced by T.
Protein change: p.Gln137His; replaces glutamine 137 with histidine.
Molecular consequence: missense variant.
Genome position (GRCh38, 1-based): chr12:76,347,574, C>A on the plus strand (G>T on the coding strand, the complement: BBS10 is on the minus strand). VCF-style: chr12-76347574-C-A. GRCh37 (hg19) VCF-style: chr12-76741354-C-A.
Other names: short protein forms Q137H.
Identifiers: ClinVar variation 1698267 (VCV001698267.7), dbSNP rs775342373, ClinGen allele CA6694352.

ClinVar aggregate classification (germline): Uncertain significance. Review status: criteria provided, multiple submitters, no conflicts (2 of 4 stars). 3 submissions from 3 submitters: Uncertain significance (2). 1 of the submissions does not count toward it. Last evaluated 2022-03-11.

Conditions:
Bardet-Biedl syndrome (BBS). Identifiers: Orphanet 110, MedGen C0752166, MONDO:0015229.
BBS10-related disorder. Also called: BBS10-related condition.

Allele frequency attached by ClinVar (database versions not stated): gnomAD exomes below 0.00001 and 0.00005; ExAC 0.00001; gnomAD 0.00001; TOPMed 0.00002.
gnomAD v4.1: 71 of 1,613,606 alleles (0.0044%); highest among the groups gnomAD compares: Non-Finnish European, 0.0058%; no homozygotes.

Submissions (3):

Labcorp Genetics (formerly Invitae), Labcorp
Classification: Uncertain significance for Bardet-Biedl syndrome. Last evaluated: 2022-03-11. Review status: criteria provided, single submitter. Criteria: Invitae Variant Classification Sherloc (09022015). Collection method: clinical testing. Allele origin: germline.
Comment: This sequence change replaces glutamine, which is neutral and polar, with histidine, which is basic and polar, at codon 137 of the BBS10 protein (p.Gln137His). This variant is present in population databases (rs775342373, gnomAD 0.003%). This variant has not been reported in the literature in individuals affected with BBS10-related conditions. Algorithms developed to predict the effect of missense changes on protein structure and function are either unavailable or do not agree on the potential impact of this missense change (SIFT: "Deleterious"; PolyPhen-2: "Possibly Damaging"; Align-GVGD: "Class C0"). In summary, the available evidence is currently insufficient to determine the role of this variant in disease. Therefore, it has been classified as a Variant of Uncertain Significance.

GeneDx
Classification: Uncertain significance. Last evaluated: 2022-01-18. Review status: criteria provided, single submitter. Criteria: GeneDx Variant Classification Process June 2021. Collection method: clinical testing. Allele origin: germline. Affected: yes.
Comment: Not observed at significant frequency in large population cohorts (gnomAD); In silico analysis supports that this missense variant does not alter protein structure/function; Has not been previously published in a peer-reviewed article as pathogenic or benign to our knowledge; This variant is associated with the following publications: (PMID: Dockery2019[thesis])

PreventionGenetics, part of Exact Sciences
Classification: Uncertain significance for BBS10-related condition. Last evaluated: 2023-12-14. Review status: no assertion criteria provided. Collection method: clinical testing. Allele origin: germline. Not counted in ClinVar's aggregate classification.
Comment: The BBS10 c.411G>T variant is predicted to result in the amino acid substitution p.Gln137His. To our knowledge, this variant has not been reported in the literature. This variant is reported in 0.0033% of alleles in individuals of South Asian descent in gnomAD. At this time, the clinical significance of this variant is uncertain due to the absence of conclusive functional and genetic evidence.